The following is an entry in ClinVar:

NM_005228.5(EGFR):c.2155G>A (p.Gly719Ser)

Gene: EGFR (epidermal growth factor receptor; plus strand). Cytogenetic location: 7p11.2.
Variant type: single nucleotide variant.
Coding change: c.2155G>A on transcript NM_005228.5 (MANE Select); coding-DNA position 2155, G replaced by A.
Protein change: p.Gly719Ser; replaces glycine 719 with serine.
Molecular consequence: missense variant.
Genome position (GRCh38, 1-based): chr7:55,174,014, G>A. VCF-style: chr7-55174014-G-A. GRCh37 (hg19) VCF-style: chr7-55241707-G-A.
Other names: c.2020G>A, p.Gly674Ser (NM_001346897.2, NM_001346899.2); c.2155G>A, p.Gly719Ser (NM_001346898.2); c.1996G>A, p.Gly666Ser (NM_001346900.2); c.1354G>A, p.Gly452Ser (NM_001346941.2); short protein forms G719S, G452S, G674S, G666S.
Identifiers: ClinVar variation 16612 (VCV000016612.18), dbSNP rs28929495, ClinGen allele CA126722.

ClinVar aggregate classification (germline): Uncertain significance; drug response. Review status: criteria provided, multiple submitters, no conflicts (2 of 4 stars). 4 submissions from 4 submitters: Uncertain significance (1). 2 of the submissions do not count toward it. Last evaluated 2025-02-10.
ClinVar aggregate classification (oncogenicity): Likely oncogenic (1 of 4 stars; one submission).

Conditions:
EGFR-related lung cancer (EGFR). Identifiers: MedGen CN130014.
Nonsmall cell lung cancer, response to tyrosine kinase inhibitor in, somatic. Identifiers: MedGen C4016032.
Lung adenocarcinoma. Also called: Adenocarcinoma of lung; Adenocarcinoma of lung, somatic. Identifiers: MedGen C0152013, MeSH D000077192, MONDO:0005061, HP:0030078.
Tyrosine kinase inhibitor response. Also called: Protein-tyrosine kinase inhibitor response. Identifiers: MedGen CN225347.
Neoplasm. Also called: Neoplasms; Neoplasm (disease); tumor. Identifiers: MedGen C0027651, MeSH D009369, MONDO:0005070, HP:0002664.

Submissions (5):

Center for Genomic Medicine, Rigshospitalet, Copenhagen University Hospital
Classification: Likely oncogenic for Neoplasm. Last evaluated: 2025-12-29. Review status: criteria provided, single submitter. Criteria: ClinGen/CGC/VICC Guidelines for Oncogenicity, 2022. Collection method: clinical testing. Allele origin: somatic. Affected: yes.

Labcorp Genetics (formerly Invitae), Labcorp
Classification: Uncertain significance for EGFR-related lung cancer. Last evaluated: 2025-02-10. Review status: criteria provided, single submitter. Criteria: Invitae Variant Classification Sherloc (09022015). Collection method: clinical testing. Allele origin: germline.
Comment: This sequence change replaces glycine, which is neutral and non-polar, with serine, which is neutral and polar, at codon 719 of the EGFR protein (p.Gly719Ser). This variant is not present in population databases (gnomAD no frequency). This variant is a common somatic change in non-small cell lung cancer (NSCLC) (PMID: 29100434, 25061320, 23468066, 24039832). While this variant has been reported in the literature, it has not been reported in the germline of individuals with EGFR-related conditions. ClinVar contains an entry for this variant (Variation ID: 16612). Invitae Evidence Modeling of protein sequence and biophysical properties (such as structural, functional, and spatial information, amino acid conservation, physicochemical variation, residue mobility, and thermodynamic stability) indicates that this missense variant is expected to disrupt EGFR protein function with a positive predictive value of 80%. In summary, the available evidence is currently insufficient to determine the role of this variant in disease. Therefore, it has been classified as a Variant of Uncertain Significance.

Laboratory for Molecular Medicine, Mass General Brigham Personalized Medicine
Classification: drug response for Tyrosine kinase inhibitor response. Last evaluated: 2012-04-20. Review status: criteria provided, single submitter. Criteria: LMM Criteria. Collection method: clinical testing. Allele origin: somatic. Observed: 20 variant alleles.

OMIM
Classification: drug response for NONSMALL CELL LUNG CANCER, RESPONSE TO TYROSINE KINASE INHIBITOR IN, SOMATIC. Last evaluated: 2004-06-04. Review status: no assertion criteria provided. Collection method: literature only. Allele origin: somatic. Not counted in ClinVar's aggregate classification.

Key Laboratory of Carcinogenesis and Cancer Invasion, Central South University
Classification: Likely pathogenic for Adenocarcinoma of lung. Review status: no assertion criteria provided. Collection method: clinical testing. Allele origin: somatic. Affected: yes. Not counted in ClinVar's aggregate classification.

Literature cited by the submitters: PubMed 16204070 (cited by Center for Genomic Medicine, Rigshospitalet, Copenhagen University Hospital); PubMed 24894453 (cited by Center for Genomic Medicine, Rigshospitalet, Copenhagen University Hospital); PubMed 18573086 (cited by Center for Genomic Medicine, Rigshospitalet, Copenhagen University Hospital); PubMed 29533785 (cited by Center for Genomic Medicine, Rigshospitalet, Copenhagen University Hospital); PubMed 29100434 (cited by Labcorp Genetics (formerly Invitae), Labcorp); PubMed 25061320 (cited by Labcorp Genetics (formerly Invitae), Labcorp); PubMed 23468066 (cited by Labcorp Genetics (formerly Invitae), Labcorp); PubMed 24039832 (cited by Labcorp Genetics (formerly Invitae), Labcorp); PubMed 18176089 (cited by Laboratory for Molecular Medicine, Mass General Brigham Personalized Medicine); PubMed 15118125 (cited by Laboratory for Molecular Medicine, Mass General Brigham Personalized Medicine and OMIM); PubMed 15625347 (cited by Laboratory for Molecular Medicine, Mass General Brigham Personalized Medicine); PubMed 16199108 (cited by Laboratory for Molecular Medicine, Mass General Brigham Personalized Medicine); PubMed 18948947 (cited by Laboratory for Molecular Medicine, Mass General Brigham Personalized Medicine); PubMed 20559149 (cited by Laboratory for Molecular Medicine, Mass General Brigham Personalized Medicine); PubMed 17192902 (cited by Laboratory for Molecular Medicine, Mass General Brigham Personalized Medicine); PubMed 21592614 (cited by Laboratory for Molecular Medicine, Mass General Brigham Personalized Medicine); PubMed 17904685 (cited by Laboratory for Molecular Medicine, Mass General Brigham Personalized Medicine); PubMed 15604253 (cited by Laboratory for Molecular Medicine, Mass General Brigham Personalized Medicine); PubMed 17473653 (cited by Laboratory for Molecular Medicine, Mass General Brigham Personalized Medicine); PubMed 16105816 (cited by Laboratory for Molecular Medicine, Mass General Brigham Personalized Medicine); PubMed 21057810 (cited by Laboratory for Molecular Medicine, Mass General Brigham Personalized Medicine); PubMed 17285735 (cited by Laboratory for Molecular Medicine, Mass General Brigham Personalized Medicine); PubMed 15741570 (cited by Laboratory for Molecular Medicine, Mass General Brigham Personalized Medicine); PubMed 15998907 (cited by Laboratory for Molecular Medicine, Mass General Brigham Personalized Medicine); PubMed 16533793 (cited by Laboratory for Molecular Medicine, Mass General Brigham Personalized Medicine); PubMed 18334834 (cited by Laboratory for Molecular Medicine, Mass General Brigham Personalized Medicine); PubMed 21899495 (cited by Laboratory for Molecular Medicine, Mass General Brigham Personalized Medicine); PubMed 21317742 (cited by Laboratory for Molecular Medicine, Mass General Brigham Personalized Medicine); PubMed 21841502 (cited by Laboratory for Molecular Medicine, Mass General Brigham Personalized Medicine); PubMed 20479403 (cited by Laboratory for Molecular Medicine, Mass General Brigham Personalized Medicine); PubMed 20808254 (cited by Laboratory for Molecular Medicine, Mass General Brigham Personalized Medicine); PubMed 16467085 (cited by Laboratory for Molecular Medicine, Mass General Brigham Personalized Medicine); PubMed 21527506 (cited by Laboratory for Molecular Medicine, Mass General Brigham Personalized Medicine); PubMed 22809298 (cited by Laboratory for Molecular Medicine, Mass General Brigham Personalized Medicine); PubMed 22019513 (cited by Laboratory for Molecular Medicine, Mass General Brigham Personalized Medicine); PubMed 18325048 (cited by Laboratory for Molecular Medicine, Mass General Brigham Personalized Medicine); PubMed 19536777 (cited by Laboratory for Molecular Medicine, Mass General Brigham Personalized Medicine).